The following is an entry in ClinVar:

NM_000168.6(GLI3):c.263A>G (p.Lys88Arg)

Gene: GLI3 (GLI family zinc finger 3; minus strand). Cytogenetic location: 7p14.1.
Variant type: single nucleotide variant.
Coding change: c.263A>G on transcript NM_000168.6 (MANE Select); coding-DNA position 263, A replaced by G.
Protein change: p.Lys88Arg; replaces lysine 88 with arginine.
Molecular consequence: missense variant.
Genome position (GRCh38, 1-based): chr7:42,148,330, T>C on the plus strand (A>G on the coding strand, the complement: GLI3 is on the minus strand). VCF-style: chr7-42148330-T-C. GRCh37 (hg19) VCF-style: chr7-42187929-T-C.
Other names: short protein forms K88R.
Identifiers: ClinVar variation 2932862 (VCV002932862.3), dbSNP rs2485050281, ClinGen allele CA367550381.

ClinVar aggregate classification (germline): Uncertain significance (1 of 4 stars; one submission).

Conditions:
Pallister-Hall syndrome (PHS). Also called: HYPOTHALAMIC HAMARTOBLASTOMA, HYPOPITUITARISM, IMPERFORATE ANUS, AND POSTAXIAL POLYDACTYLY; GLI3-Related Pallister-Hall Syndrome. Identifiers: Orphanet 672, MedGen C0265220, MONDO:0007804, OMIM 146510.
Greig cephalopolysyndactyly syndrome (GCPS). Also called: POLYSYNDACTYLY WITH PECULIAR SKULL SHAPE; Greig syndrome; GLI3-Related Greig Cephalopolysyndactyly Syndrome. Identifiers: Orphanet 380, MedGen C0265306, MONDO:0008287, OMIM 175700.

Submission:

Labcorp Genetics (formerly Invitae), Labcorp
Classification: Uncertain significance for Pallister-Hall syndrome; Greig cephalopolysyndactyly syndrome. Last evaluated: 2023-04-12. Review status: criteria provided, single submitter. Criteria: Invitae Variant Classification Sherloc (09022015). Collection method: clinical testing. Allele origin: germline.
Comment: This variant is not present in population databases (gnomAD no frequency). This variant has not been reported in the literature in individuals affected with GLI3-related conditions. An algorithm developed to predict the effect of missense changes on protein structure and function (PolyPhen-2) suggests that this variant is likely to be disruptive. In summary, the available evidence is currently insufficient to determine the role of this variant in disease. Therefore, it has been classified as a Variant of Uncertain Significance. This sequence change replaces lysine, which is basic and polar, with arginine, which is basic and polar, at codon 88 of the GLI3 protein (p.Lys88Arg).